The following is an entry in ClinVar:

NM_000051.4(ATM):c.6651dup (p.Ser2218Ter)

Genes: ATM (ATM serine/threonine kinase; plus strand), C11orf65 (chromosome 11 open reading frame 65; minus strand). Cytogenetic location: 11q22.3.
Variant type: Duplication.
Coding change: c.6651dup on transcript NM_000051.4 (MANE Select); coding-DNA position 6651, one base duplicated (T; older notation c.6651dupT).
Protein change: p.Ser2218Ter; replaces serine 2218 with a stop codon.
Molecular consequence: nonsense. On other transcripts: intron variant (2).
Genome position (GRCh38, 1-based): chr11:108,325,388, T duplicated; the last of 4 consecutive T bases (chr11:108,325,385-108,325,388); duplicating any one gives the same sequence. VCF-style (leftmost placement, unchanged base first): chr11-108325384-A-AT. GRCh37 (hg19) VCF-style: chr11-108196111-A-AT.
Other names: c.6651dup, p.Ser2218Ter (NM_001351834.2); c.641-16314dup (NM_001330368.2); c.*38+9835dup (NM_001351110.2); short protein forms S2218*.
Identifiers: ClinVar variation 3148095 (VCV003148095.1), dbSNP rs2547201590, ClinGen allele CA2825001930.

ClinVar aggregate classification (germline): Pathogenic (1 of 4 stars; one submission).

Conditions:
Familial cancer of breast. Also called: hereditary breast carcinoma; BREAST CANCER, FAMILIAL; Hereditary breast cancer. Identifiers: Orphanet 227535, MedGen C0346153, MONDO:0016419, OMIM 114480. Disease mechanism: loss of function.

Submission:

Myriad Genetics, Inc.
Classification: Pathogenic for Familial cancer of breast. Last evaluated: 2024-01-30. Review status: criteria provided, single submitter. Criteria: Myriad Autosomal Dominant, Autosomal Recessive and X-Linked Classification Criteria (2023). Collection method: clinical testing. Allele origin: unknown.
Comment: This variant is considered pathogenic. This variant creates a termination codon and is predicted to result in premature protein truncation.